The following is an entry in ClinVar:

NM_001204.7(BMPR2):c.2255C>T (p.Pro752Leu)

Gene: BMPR2 (bone morphogenetic protein receptor type 2; plus strand). Cytogenetic location: 2q33.2.
Variant type: single nucleotide variant.
Coding change: c.2255C>T on transcript NM_001204.7 (MANE Select); coding-DNA position 2255, C replaced by T.
Protein change: p.Pro752Leu; replaces proline 752 with leucine.
Molecular consequence: missense variant.
Genome position (GRCh38, 1-based): chr2:202,555,920, C>T. VCF-style: chr2-202555920-C-T. GRCh37 (hg19) VCF-style: chr2-203420643-C-T.
Other names: short protein forms P752L.
Identifiers: ClinVar variation 3261239 (VCV003261239.2).

ClinVar aggregate classification (germline): Uncertain significance (1 of 4 stars; one submission).

Conditions:
Inborn genetic diseases. Identifiers: MedGen C0950123, MeSH D030342.

gnomAD v4.1: 6 of 1,614,142 alleles (0.00037%); highest among the groups gnomAD compares: Non-Finnish European, 0.00051%; no homozygotes.

Submission:

Ambry Genetics
Classification: Uncertain significance for Inborn genetic diseases. Last evaluated: 2025-02-15. Review status: criteria provided, single submitter. Criteria: Ambry Variant Classification Scheme 2023. Collection method: clinical testing. Allele origin: germline.
Comment: The p.P752L variant (also known as c.2255C>T), located in coding exon 12 of the BMPR2 gene, results from a C to T substitution at nucleotide position 2255. The proline at codon 752 is replaced by leucine, an amino acid with similar properties. This amino acid position is conserved. In addition, this alteration is predicted to be deleterious by in silico analysis. Based on the available evidence, the clinical significance of this variant remains unclear.